The following is an entry in ClinVar:

ClinVar aggregate classification (germline): Uncertain significance (1 of 4 stars; one submission).

Conditions:
Hypertrophic cardiomyopathy. Also called: HYPERTROPHIC MYOCARDIOPATHY. Identifiers: Orphanet 217569, MedGen C0007194, MeSH D002312, MONDO:0005045, HP:0001639.

Submission:

Labcorp Genetics (formerly Invitae), Labcorp
Classification: Uncertain significance for Hypertrophic cardiomyopathy. Last evaluated: 2022-08-17. Review status: criteria provided, single submitter. Criteria: Invitae Variant Classification Sherloc (09022015). Collection method: clinical testing. Allele origin: germline.
Comment: In summary, the available evidence is currently insufficient to determine the role of this variant in disease. Therefore, it has been classified as a Variant of Uncertain Significance. Algorithms developed to predict the effect of missense changes on protein structure and function are either unavailable or do not agree on the potential impact of this missense change (SIFT: "Deleterious"; PolyPhen-2: "Probably Damaging"; Align-GVGD: "Class C0"). This variant has not been reported in the literature in individuals affected with MYOM1-related conditions. This variant is not present in population databases (gnomAD no frequency). This sequence change replaces serine, which is neutral and polar, with tryptophan, which is neutral and slightly polar, at codon 1641 of the MYOM1 protein (p.Ser1641Trp).

NM_003803.4(MYOM1):c.4922C>G (p.Ser1641Trp)

Gene: MYOM1 (myomesin 1; minus strand). Cytogenetic location: 18p11.31.
Variant type: single nucleotide variant.
Coding change: c.4922C>G on transcript NM_003803.4 (MANE Select); coding-DNA position 4922, C replaced by G.
Protein change: p.Ser1641Trp; replaces serine 1641 with tryptophan.
Molecular consequence: missense variant.
Genome position (GRCh38, 1-based): chr18:3,067,398, G>C on the plus strand (C>G on the coding strand, the complement: MYOM1 is on the minus strand). VCF-style: chr18-3067398-G-C. GRCh37 (hg19) VCF-style: chr18-3067396-G-C.
Other names: c.4634C>G, p.Ser1545Trp (NM_019856.2); short protein forms S1545W, S1641W.
Identifiers: ClinVar variation 2016431 (VCV002016431.4), dbSNP rs374904841, ClinGen allele CA401705075.
Genomic context (GRCh38, chr18:3,067,398, plus strand): 5'-ACGGTGAAGTCGCTGGTCTCCGAGCCATACTTGTTCTTCACAACCAGCCCGTATTTGCCC[G>C]AGTCAGCGGTGCTCACGCCGTTGATGGTGAAGTACGCGGTCCTCCCAGCCTCGAACTTGA-3'
Protein context (NP_003794.3, residues 1631-1651): FTINGVSTAD[Ser1641Trp]GKYGLVVKNK